The following is an entry in ClinVar:

NM_001018115.3(FANCD2):c.2584A>C (p.Ile862Leu)

Genes: FANCD2 (FA complementation group D2; plus strand), LOC107303338 (3p25 FANCD2 Alu-mediated recombination region; plus strand). Cytogenetic location: 3p25.3.
Variant type: single nucleotide variant.
Coding change: c.2584A>C on transcript NM_001018115.3 (MANE Select); coding-DNA position 2584, A replaced by C.
Protein change: p.Ile862Leu; replaces isoleucine 862 with leucine.
Molecular consequence: missense variant.
Genome position (GRCh38, 1-based): chr3:10,072,960, A>C. VCF-style: chr3-10072960-A-C. GRCh37 (hg19) VCF-style: chr3-10114644-A-C.
Other names: c.2584A>C (NM_033084.4); c.2584A>C, p.Ile862Leu (NM_001319984.2, NM_001374254.1, NM_033084.6); c.2473A>C, p.Ile825Leu (NM_001374253.1); short protein forms I825L, I862L.
Identifiers: ClinVar variation 2418083 (VCV002418083.5), dbSNP rs1489879580, ClinGen allele CA351741953.

ClinVar aggregate classification (germline): Uncertain significance. Review status: criteria provided, multiple submitters, no conflicts (2 of 4 stars). 2 submissions from 2 submitters: Uncertain significance (2). Last evaluated 2024-03-26.

Conditions:
Fanconi anemia (FA). Also called: Fanconi's anemia. Identifiers: Orphanet 84, MedGen C0015625, MeSH D005199, MONDO:0019391.
Fanconi anemia complementation group D2. Also called: FANCD2-Related Fanconi Anemia; FANCONI PANCYTOPENIA, TYPE 4; FANCONI ANEMIA, COMPLEMENTATION GROUP D. Identifiers: Orphanet 84, MedGen C3160738, MONDO:0009214, OMIM 227646.

Allele frequency attached by ClinVar (database versions not stated): gnomAD exomes below 0.00001; TOPMed below 0.00001.
gnomAD v4.1: 2 of 1,597,066 alleles (0.00013%); highest among the groups gnomAD compares: Admixed American, 0.0033%; no homozygotes.

Submissions (2):

Fulgent Genetics
Classification: Uncertain significance for Fanconi anemia complementation group D2. Last evaluated: 2024-03-26. Review status: criteria provided, single submitter. Criteria: ACMG Guidelines, 2015. Collection method: clinical testing. Allele origin: germline.

Labcorp Genetics (formerly Invitae), Labcorp
Classification: Uncertain significance for Fanconi anemia. Last evaluated: 2022-02-13. Review status: criteria provided, single submitter. Criteria: Invitae Variant Classification Sherloc (09022015). Collection method: clinical testing. Allele origin: germline.
Comment: Algorithms developed to predict the effect of missense changes on protein structure and function output the following: SIFT: "Tolerated"; PolyPhen-2: "Benign"; Align-GVGD: "Class C0". The leucine amino acid residue is found in multiple mammalian species, which suggests that this missense change does not adversely affect protein function. In summary, the available evidence is currently insufficient to determine the role of this variant in disease. Therefore, it has been classified as a Variant of Uncertain Significance. This variant has not been reported in the literature in individuals affected with FANCD2-related conditions. This variant is present in population databases (no rsID available, gnomAD 0.006%). This sequence change replaces isoleucine, which is neutral and non-polar, with leucine, which is neutral and non-polar, at codon 862 of the FANCD2 protein (p.Ile862Leu).